The following is an entry in ClinVar:

NM_006302.3(MOGS):c.1348T>G (p.Trp450Gly)

Gene: MOGS (mannosyl-oligosaccharide glucosidase; minus strand). Cytogenetic location: 2p13.1.
Variant type: single nucleotide variant.
Coding change: c.1348T>G on transcript NM_006302.3 (MANE Select); coding-DNA position 1348, T replaced by G.
Protein change: p.Trp450Gly; replaces tryptophan 450 with glycine.
Molecular consequence: missense variant.
Genome position (GRCh38, 1-based): chr2:74,462,441, A>C on the plus strand (T>G on the coding strand, the complement: MOGS is on the minus strand). VCF-style: chr2-74462441-A-C. GRCh37 (hg19) VCF-style: chr2-74689568-A-C.
Other names: c.1030T>G, p.Trp344Gly (NM_001146158.2); short protein forms W450G, W344G.
Identifiers: ClinVar variation 1384779 (VCV001384779.6), dbSNP rs2103979060, ClinGen allele CA347373064.

ClinVar aggregate classification (germline): Uncertain significance (1 of 4 stars; one submission).

Conditions:
MOGS-congenital disorder of glycosylation. Also called: CDG 2B; CDG IIb; GLUCOSIDASE I DEFICIENCY; MOGS-CDG. Identifiers: Orphanet 79330, MedGen C1853736, MONDO:0011629, OMIM 606056.

Submission:

Labcorp Genetics (formerly Invitae), Labcorp
Classification: Uncertain significance for MOGS-congenital disorder of glycosylation. Last evaluated: 2022-08-31. Review status: criteria provided, single submitter. Criteria: Invitae Variant Classification Sherloc (09022015). Collection method: clinical testing. Allele origin: germline.
Comment: This variant is not present in population databases (gnomAD no frequency). In summary, the available evidence is currently insufficient to determine the role of this variant in disease. Therefore, it has been classified as a Variant of Uncertain Significance. Algorithms developed to predict the effect of missense changes on protein structure and function (SIFT, PolyPhen-2, Align-GVGD) all suggest that this variant is likely to be disruptive. ClinVar contains an entry for this variant (Variation ID: 1384779). This variant has not been reported in the literature in individuals affected with MOGS-related conditions. This sequence change replaces tryptophan, which is neutral and slightly polar, with glycine, which is neutral and non-polar, at codon 450 of the MOGS protein (p.Trp450Gly).